The following is an entry in ClinVar:

ClinVar aggregate classification (germline): Likely benign (1 of 4 stars; one submission).

Conditions:
Progressive familial intrahepatic cholestasis type 1. Also called: BYLER DISEASE; Byler's disease; Severe ATP8B1 Deficiency (Progressive Familial Intrahepatic Cholestasis Type 1 [PFIC1]). Identifiers: Orphanet 79306, MedGen C4551898, MONDO:0008892, OMIM 211600.

Allele frequency attached by ClinVar (database versions not stated): gnomAD 0.00332 and 0.00356; 1000 Genomes Project 0.00339; 1000 Genomes Project 30x 0.00359; TOPMed 0.00369.

Submission:

Illumina Laboratory Services, Illumina
Classification: Likely benign for Progressive familial intrahepatic cholestasis type 1. Last evaluated: 2018-01-13. Review status: criteria provided, single submitter. Criteria: ICSL Variant Classification Criteria 13 December 2019. Collection method: clinical testing. Allele origin: germline.
Comment: This variant was observed in the ICSL laboratory as part of a predisposition screen in an ostensibly healthy population. It had not been previously curated by ICSL or reported in the Human Gene Mutation Database (HGMD: prior to June 1st, 2018), and was therefore a candidate for classification through an automated scoring system. Utilizing variant allele frequency, disease prevalence and penetrance estimates, and inheritance mode, an automated score was calculated to assess if this variant is too frequent to cause the disease. Based on the score and internal cut-off values, a variant classified as likely benign is not then subjected to further curation. The score for this variant resulted in a classification of likely benign for this disease.

NM_001374385.1(ATP8B1):c.*827T>A

Genes: ATP8B1 (ATPase phospholipid transporting 8B1; minus strand), ATP8B1-AS1 (ATP8B1 antisense RNA 1; plus strand). Cytogenetic location: 18q21.31.
Variant type: single nucleotide variant.
Coding change: c.*827T>A on transcript NM_001374385.1 (MANE Select); 827 bases downstream of the stop codon, T replaced by A.
Molecular consequence: 3 prime UTR variant.
Genome position (GRCh38, 1-based): chr18:57,647,661, A>T on the plus strand (T>A on the coding strand, the complement: ATP8B1 is on the minus strand). VCF-style: chr18-57647661-A-T. GRCh37 (hg19) VCF-style: chr18-55314893-A-T.
Other names: c.*827T>A (NM_001374386.1, NM_005603.6).
Identifiers: ClinVar variation 327451 (VCV000327451.5), dbSNP rs182819607, ClinGen allele CA10651947.